The following is an entry in ClinVar:

ClinVar aggregate classification (germline): Uncertain significance. Review status: criteria provided, multiple submitters, no conflicts (2 of 4 stars). 3 submissions from 3 submitters: Uncertain significance (3). Last evaluated 2025-07-29.

Conditions:
Familial cancer of breast. Also called: BREAST CANCER, FAMILIAL; Hereditary breast cancer; hereditary breast carcinoma. Identifiers: Orphanet 227535, MedGen C0346153, MONDO:0016419, OMIM 114480. Disease mechanism: loss of function.
Ataxia-telangiectasia syndrome (AT). Also called: LOUIS-BAR SYNDROME; Cerebello-oculocutaneous telangiectasia; Immunodeficiency with ataxia telangiectasia; Ataxia-telangiectasia, complementation group D; AT, COMPLEMENTATION GROUP C; ATAXIA-TELANGIECTASIA, COMPLEMENTATION GROUP A. Identifiers: Orphanet 100, MedGen C0004135, MONDO:0008840, OMIM 208900.
Hereditary cancer-predisposing syndrome. Also called: Neoplastic Syndromes, Hereditary; Tumor predisposition; Hereditary Cancer Syndrome; Hereditary neoplastic syndrome. Identifiers: Orphanet 140162, MedGen C0027672, MeSH D009386, MONDO:0015356.

Submissions (3):

Labcorp Genetics (formerly Invitae), Labcorp
Classification: Uncertain significance for Ataxia-telangiectasia syndrome. Last evaluated: 2025-07-29. Review status: criteria provided, single submitter. Criteria: Invitae Variant Classification Sherloc (09022015). Collection method: clinical testing. Allele origin: germline.
Comment: This sequence change replaces proline, which is neutral and non-polar, with threonine, which is neutral and polar, at codon 178 of the ATM protein (p.Pro178Thr). This variant is not present in population databases (gnomAD no frequency). This variant has not been reported in the literature in individuals affected with ATM-related conditions. ClinVar contains an entry for this variant (Variation ID: 1746863). Invitae Evidence Modeling of protein sequence and biophysical properties (such as structural, functional, and spatial information, amino acid conservation, physicochemical variation, residue mobility, and thermodynamic stability) indicates that this missense variant is not expected to disrupt ATM protein function with a negative predictive value of 95%. In summary, the available evidence is currently insufficient to determine the role of this variant in disease. Therefore, it has been classified as a Variant of Uncertain Significance.

Department of Human Genetics, Hannover Medical School
Classification: Uncertain significance for Familial cancer of breast. Last evaluated: 2024-07-04. Review status: criteria provided, single submitter. Criteria: ACMG Guidelines, 2015. Collection method: clinical testing. Allele origin: germline. Inheritance: Autosomal dominant inheritance. Affected: yes.

Ambry Genetics
Classification: Uncertain significance for Hereditary cancer-predisposing syndrome. Last evaluated: 2020-11-25. Review status: criteria provided, single submitter. Criteria: Ambry Variant Classification Scheme 2023. Collection method: clinical testing. Allele origin: germline.
Comment: The p.P178T variant (also known as c.532C>A), located in coding exon 5 of the ATM gene, results from a C to A substitution at nucleotide position 532. The proline at codon 178 is replaced by threonine, an amino acid with highly similar properties. This amino acid position is well conserved in available vertebrate species. In addition, the in silico prediction for this alteration is inconclusive. Since supporting evidence is limited at this time, the clinical significance of this alteration remains unclear.

NM_000051.4(ATM):c.532C>A (p.Pro178Thr)

Gene: ATM (ATM serine/threonine kinase; plus strand). Cytogenetic location: 11q22.3.
Variant type: single nucleotide variant.
Coding change: c.532C>A on transcript NM_000051.4 (MANE Select); coding-DNA position 532, C replaced by A.
Protein change: p.Pro178Thr; replaces proline 178 with threonine.
Molecular consequence: missense variant.
Genome position (GRCh38, 1-based): chr11:108,243,988, C>A. VCF-style: chr11-108243988-C-A. GRCh37 (hg19) VCF-style: chr11-108114715-C-A.
Other names: c.532C>A, p.Pro178Thr (NM_001351834.2); short protein forms P178T.
Identifiers: ClinVar variation 1746863 (VCV001746863.4), dbSNP rs786201807, ClinGen allele CA382527599.